The following is an entry in ClinVar:

NM_000466.3(PEX1):c.2761G>A (p.Ala921Thr)

Gene: PEX1 (peroxisomal biogenesis factor 1; minus strand). Cytogenetic location: 7q21.2.
Variant type: single nucleotide variant.
Coding change: c.2761G>A on transcript NM_000466.3 (MANE Select); coding-DNA position 2761, G replaced by A.
Protein change: p.Ala921Thr; replaces alanine 921 with threonine.
Molecular consequence: missense variant.
Genome position (GRCh38, 1-based): chr7:92,496,735, C>T on the plus strand (G>A on the coding strand, the complement: PEX1 is on the minus strand). VCF-style: chr7-92496735-C-T. GRCh37 (hg19) VCF-style: chr7-92126049-C-T.
Other names: c.2590G>A, p.Ala864Thr (NM_001282677.2); c.2137G>A, p.Ala713Thr (NM_001282678.2); short protein forms A713T, A864T, A921T.
Identifiers: ClinVar variation 1483349 (VCV001483349.8), dbSNP rs2116110846, ClinGen allele CA368170957.

ClinVar aggregate classification (germline): Uncertain significance (1 of 4 stars; one submission).

Conditions:
Zellweger spectrum disorders (ZS). Also called: Zellweger Spectrum Disorder; Zellweger Spectrum; Zellweger syndrome; Zellweger Spectrum Disorder (ZSD). Identifiers: Orphanet 912, MedGen C0043459, MONDO:0019609.

Submission:

Labcorp Genetics (formerly Invitae), Labcorp
Classification: Uncertain significance for Zellweger spectrum disorders. Last evaluated: 2024-10-15. Review status: criteria provided, single submitter. Criteria: Invitae Variant Classification Sherloc (09022015). Collection method: clinical testing. Allele origin: germline.
Comment: This sequence change replaces alanine, which is neutral and non-polar, with threonine, which is neutral and polar, at codon 921 of the PEX1 protein (p.Ala921Thr). This variant is not present in population databases (gnomAD no frequency). This variant has not been reported in the literature in individuals affected with PEX1-related conditions. ClinVar contains an entry for this variant (Variation ID: 1483349). Invitae Evidence Modeling of protein sequence and biophysical properties (such as structural, functional, and spatial information, amino acid conservation, physicochemical variation, residue mobility, and thermodynamic stability) indicates that this missense variant is expected to disrupt PEX1 protein function with a positive predictive value of 95%. In summary, the available evidence is currently insufficient to determine the role of this variant in disease. Therefore, it has been classified as a Variant of Uncertain Significance.